The following is an entry in ClinVar:

NM_000268.4(NF2):c.1532A>G (p.Asp511Gly)

Gene: NF2 (NF2, moesin-ezrin-radixin like (MERLIN) tumor suppressor; plus strand). Cytogenetic location: 22q12.2.
Variant type: single nucleotide variant.
Coding change: c.1532A>G on transcript NM_000268.4 (MANE Select); coding-DNA position 1532, A replaced by G.
Protein change: p.Asp511Gly; replaces aspartic acid 511 with glycine.
Molecular consequence: missense variant. On other transcripts: non-coding transcript variant (1), intron variant (1).
Genome position (GRCh38, 1-based): chr22:29,678,281, A>G. VCF-style: chr22-29678281-A-G. GRCh37 (hg19) VCF-style: chr22-30074270-A-G.
Other names: c.1418A>G, p.Asp473Gly (NM_001407053.1, NM_001407056.1); c.1409A>G, p.Asp470Gly (NM_001407054.1, NM_001407058.1, NM_181829.3); c.1406A>G, p.Asp469Gly (NM_001407055.1, NM_181828.3); c.1397A>G, p.Asp466Gly (NM_001407057.1, NM_001407059.1); c.1532A>G, p.Asp511Gly (NM_001407060.1, NM_001407066.1, NM_016418.5 and 2 more transcripts); c.1274A>G, p.Asp425Gly (NM_001407062.1); c.1283A>G, p.Asp428Gly (NM_001407063.1, NM_001407064.1, NM_181830.3 and 1 more transcripts); c.998A>G, p.Asp333Gly (NM_001407065.1); and 2 more; short protein forms D428G, D434G, D470G, D473G, D333G, D469G, D511G, D425G.
Identifiers: ClinVar variation 4743093 (VCV004743093.1).
Genomic context (GRCh38, chr22:29,678,281, plus strand): 5'-TGCCTCCTGACATACCAAGCTTCAACCTCATTGGTGACAGCCTGTCTTTCGACTTCAAAG[A>G]TACTGACATGAAGCGGCTTTCCATGGAGATAGAGAAAGAAAAGTATGTAGCCCCCTGTGC-3'
Protein context (NP_000259.1, residues 501-521): IGDSLSFDFK[Asp511Gly]TDMKRLSMEI

ClinVar aggregate classification (germline): Uncertain significance. Review status: criteria provided, multiple submitters, no conflicts (2 of 4 stars). 2 submissions from 2 submitters: Uncertain significance (2). Last evaluated 2025-07-21.

Conditions:
Neurofibromatosis, type 2 (SWNV). Also called: BILATERAL ACOUSTIC NEUROFIBROMATOSIS; NF2-Related Schwannomatosis; SCHWANNOMATOSIS, VESTIBULAR. Identifiers: Orphanet 637, MedGen C0027832, MONDO:0007039, OMIM 101000. Disease mechanism: loss of function.

Submissions (2):

Labcorp Genetics (formerly Invitae), Labcorp
Classification: Uncertain significance for Neurofibromatosis, type 2. Last evaluated: 2025-07-21. Review status: criteria provided, single submitter. Criteria: Invitae Variant Classification Sherloc (09022015). Collection method: clinical testing. Allele origin: germline.
Comment: This sequence change replaces aspartic acid, which is acidic and polar, with glycine, which is neutral and non-polar, at codon 511 of the NF2 protein (p.Asp511Gly). This variant is not present in population databases (gnomAD no frequency). This variant has not been reported in the literature in individuals affected with NF2-related conditions. Invitae Evidence Modeling of protein sequence and biophysical properties (such as structural, functional, and spatial information, amino acid conservation, physicochemical variation, residue mobility, and thermodynamic stability) indicates that this missense variant is not expected to disrupt NF2 protein function with a negative predictive value of 80%. Algorithms developed to predict the effect of sequence changes on RNA splicing suggest that this variant may disrupt the consensus splice site. In summary, the available evidence is currently insufficient to determine the role of this variant in disease. Therefore, it has been classified as a Variant of Uncertain Significance.

Institute for Genomic Medicine (IGM) Clinical Laboratory, Nationwide Children's Hospital
Classification: Uncertain significance for Neurofibromatosis, type 2. Last evaluated: 2025-07-08. Review status: criteria provided, single submitter. Criteria: ACMG Guidelines, 2015. Collection method: clinical testing. Allele origin: germline.
Comment: This variant has been reported at an elevated frequency in affected individuals/in multiple affected individuals in the literature (ACMG/AMP: PS4_Supporting; PMID:28409725). This variant is absent from or present at an exceedingly low frequency in gnomAD, a large-scale control population database (ACMG/AMP: PM2). This variant is predicted to alter protein function or structure, or disrupt splicing by multiple in silico tools (ACMG/AMP: PP3). This variant results in a missense alteration in a gene for which primarily truncating variants are known to cause disease (ACMG/AMP: BP1).

Literature cited by the submitters: PubMed 28409725 (cited by Institute for Genomic Medicine (IGM) Clinical Laboratory, Nationwide Children's Hospital).